The following is an entry in ClinVar:

ClinVar aggregate classification (germline): Uncertain significance. Review status: criteria provided, multiple submitters, no conflicts (2 of 4 stars). 3 submissions from 3 submitters: Uncertain significance (3). Last evaluated 2025-11-18.

Conditions:
Hereditary cancer-predisposing syndrome. Also called: Tumor predisposition; Hereditary Cancer Syndrome; Hereditary neoplastic syndrome; Neoplastic Syndromes, Hereditary. Identifiers: Orphanet 140162, MedGen C0027672, MeSH D009386, MONDO:0015356.
Familial adenomatous polyposis 1 (FAP1). Also called: FAMILIAL ADENOMATOUS POLYPOSIS 1, ATTENUATED; POLYPOSIS, ADENOMATOUS INTESTINAL. Identifiers: MedGen C2713442, MONDO:0021056, OMIM 175100. Disease mechanism: loss of function.

Allele frequency attached by ClinVar (database versions not stated): TOPMed 0.00002.

Submissions (3):

Labcorp Genetics (formerly Invitae), Labcorp
Classification: Uncertain significance for Familial adenomatous polyposis 1. Last evaluated: 2025-11-18. Review status: criteria provided, single submitter. Criteria: Invitae Variant Classification Sherloc (09022015). Collection method: clinical testing. Allele origin: germline.
Comment: This sequence change replaces arginine, which is basic and polar, with leucine, which is neutral and non-polar, at codon 332 of the APC protein (p.Arg332Leu). This variant is not present in population databases (gnomAD no frequency). This variant has not been reported in the literature in individuals affected with APC-related conditions. ClinVar contains an entry for this variant (Variation ID: 411509). Invitae Evidence Modeling of protein sequence and biophysical properties (such as structural, functional, and spatial information, amino acid conservation, physicochemical variation, residue mobility, and thermodynamic stability) indicates that this missense variant is not expected to disrupt APC protein function with a negative predictive value of 95%. In summary, the available evidence is currently insufficient to determine the role of this variant in disease. Therefore, it has been classified as a Variant of Uncertain Significance.

Ambry Genetics
Classification: Uncertain significance for Hereditary cancer-predisposing syndrome. Last evaluated: 2024-10-22. Review status: criteria provided, single submitter. Criteria: Ambry Variant Classification Scheme 2023. Collection method: clinical testing. Allele origin: germline.
Comment: The p.R332L variant (also known as c.995G>T), located in coding exon 9 of the APC gene, results from a G to T substitution at nucleotide position 995. The arginine at codon 332 is replaced by leucine, an amino acid with dissimilar properties. This amino acid position is highly conserved in available vertebrate species. Missense alterations in APC are not a common cause of disease (Spier I et al. Genet Med. 2024 Feb;26(2):100992). In addition, in silico predictors for this gene do not accurately predict pathogenicity. Since supporting evidence is limited at this time, the clinical significance of this alteration remains unclear.

Baylor Genetics
Classification: Uncertain significance for Familial adenomatous polyposis 1. Last evaluated: 2023-11-17. Review status: criteria provided, single submitter. Criteria: ACMG Guidelines, 2015. Collection method: clinical testing. Allele origin: unknown.

NM_000038.6(APC):c.995G>T (p.Arg332Leu)

Gene: APC (APC regulator of Wnt signaling pathway; plus strand). Cytogenetic location: 5q22.2.
Variant type: single nucleotide variant.
Coding change: c.995G>T on transcript NM_000038.6 (MANE Select); coding-DNA position 995, G replaced by T.
Protein change: p.Arg332Leu; replaces arginine 332 with leucine.
Molecular consequence: missense variant. On other transcripts: intron variant (4).
Genome position (GRCh38, 1-based): chr5:112,819,027, G>T. VCF-style: chr5-112819027-G-T. GRCh37 (hg19) VCF-style: chr5-112154724-G-T.
Other names: c.859-242G>T (NM_001354904.2); c.934-242G>T (NM_001354903.2); c.757-242G>T (NM_001354905.2); c.995G>T, p.Arg332Leu (NM_001127510.3, NM_001354895.2, NM_001354896.2); c.941G>T, p.Arg314Leu (NM_001127511.3); c.1025G>T, p.Arg342Leu (NM_001354897.2); c.920G>T, p.Arg307Leu (NM_001354898.2); c.911G>T, p.Arg304Leu (NM_001354899.2); and 3 more; short protein forms R332L, R314L, R304L, R307L, R342L, R49L, R273L.
Identifiers: ClinVar variation 411509 (VCV000411509.14), dbSNP rs377665107, ClinGen allele CA16023490.